The following is an entry in ClinVar:

NM_001371596.2(MFSD8):c.878del (p.Pro292_Leu293insTer)

Gene: MFSD8 (major facilitator superfamily domain containing 8; minus strand). Cytogenetic location: 4q28.2.
Variant type: Deletion.
Coding change: c.878del on transcript NM_001371596.2 (MANE Select); coding-DNA position 878, one base deleted (T; older notation c.878delT).
Protein change: p.Pro292_Leu293insTer.
Molecular consequence: nonsense. On other transcripts: frameshift variant (9).
Genome position (GRCh38, 1-based): chr4:127,930,803, A deleted on the plus strand (T on the coding strand, the reverse complement: MFSD8 is on the minus strand); the first of 2 consecutive A bases (chr4:127,930,803-127,930,804); deleting either gives the same sequence. VCF-style (leftmost placement, unchanged base first): chr4-127930802-TA-T. GRCh37 (hg19) VCF-style: chr4-128851957-TA-T.
Other names: c.676delT, p.Leu226Terfs (NM_001363520.3); c.562delT, p.Leu188Terfs (NM_001363521.3); c.742delT, p.Leu248Terfs (NM_001371590.2); c.877delT, p.Leu293Terfs (NM_001371591.2); c.883delT, p.Leu295Terfs (NM_001371592.2); c.763delT, p.Leu255Terfs (NM_001371593.2, NM_001410766.1); c.730delT, p.Leu244Terfs (NM_001371594.2); c.596del, p.Pro198_Leu199insTer (NM_001371595.1); and 2 more.
Identifiers: ClinVar variation 1073057 (VCV001073057.7), dbSNP rs2148873794, ClinGen allele CA2499217087.

ClinVar aggregate classification (germline): Pathogenic (1 of 4 stars; one submission).

Conditions:
Neuronal ceroid lipofuscinosis 7 (CLN7). Also called: MFSD8-Related Neuronal Ceroid-Lipofuscinosis. Identifiers: Orphanet 168491, Orphanet 228366, MedGen C1838571, MONDO:0012588, OMIM 610951.

Submission:

Labcorp Genetics (formerly Invitae), Labcorp
Classification: Pathogenic for Neuronal ceroid lipofuscinosis 7. Last evaluated: 2020-07-07. Review status: criteria provided, single submitter. Criteria: Invitae Variant Classification Sherloc (09022015). Collection method: clinical testing. Allele origin: germline.
Comment: For these reasons, this variant has been classified as Pathogenic. Loss-of-function variants in MFSD8 are known to be pathogenic (PMID: 19177532, 25227500, 28586915). This variant has not been reported in the literature in individuals with MFSD8-related conditions. This variant is not present in population databases (ExAC no frequency). This sequence change creates a premature translational stop signal (p.Leu293*) in the MFSD8 gene. It is expected to result in an absent or disrupted protein product.

Literature cited by the submitters: PubMed 19177532; PubMed 25227500; PubMed 28586915.